The following is an entry in ClinVar:

NM_000138.5(FBN1):c.5596A>G (p.Ile1866Val)

Gene: FBN1 (fibrillin 1; minus strand). Cytogenetic location: 15q21.1.
Variant type: single nucleotide variant.
Coding change: c.5596A>G on transcript NM_000138.5 (MANE Select); coding-DNA position 5596, A replaced by G.
Protein change: p.Ile1866Val; replaces isoleucine 1866 with valine.
Molecular consequence: missense variant.
Genome position (GRCh38, 1-based): chr15:48,448,843, T>C on the plus strand (A>G on the coding strand, the complement: FBN1 is on the minus strand). VCF-style: chr15-48448843-T-C. GRCh37 (hg19) VCF-style: chr15-48741040-T-C.
Other names: short protein forms I1866V.
Identifiers: ClinVar variation 926451 (VCV000926451.14), dbSNP rs367586350, ClinGen allele CA055270.
Genomic context (GRCh38, chr15:48,448,843, plus strand): 5'-GGTCATCATTTGTTTTAAAACCAGTGTGGCAAAGGCAATAAAAGCTTCCAACTGTGTCAA[T>C]GCACTGCCCATGACTGCATATATTGGGGATTTCTTGACATTCATTACGATCTGTAAATAA-3'
Protein context (NP_000129.3, residues 1856-1876): IPNICSHGQC[Ile1866Val]DTVGSFYCLC

ClinVar aggregate classification (germline): Conflicting classifications of pathogenicity. Review status: criteria provided, conflicting classifications (1 of 4 stars). 4 submissions from 4 submitters: Uncertain significance (2); Likely benign (1). 1 of the submissions does not count toward it. Last evaluated 2025-09-27.

Conditions:
Familial thoracic aortic aneurysm and aortic dissection (TAAD). Also called: Thoracic aortic aneurysms and dissections. Identifiers: Orphanet 91387, MedGen C4707243, MONDO:0019625.
Marfan syndrome (MFS). Also called: Marfan syndrome, classic; Marfan syndrome type 1; Marfan's syndrome; FBN1-Related Marfan Syndrome; MARFAN SYNDROME, TYPE I. Identifiers: Orphanet 284963, Orphanet 558, MedGen C0024796, MONDO:0007947, OMIM 154700.

Allele frequency attached by ClinVar (database versions not stated): gnomAD 0.00001; ESP Exome Variant Server 0.00008; TOPMed 0.00002; ExAC 0.00003; gnomAD exomes 0.00004.

Submissions (4):

Labcorp Genetics (formerly Invitae), Labcorp
Classification: Likely benign for Marfan syndrome; Familial thoracic aortic aneurysm and aortic dissection. Last evaluated: 2025-09-27. Review status: criteria provided, single submitter. Criteria: Invitae Variant Classification Sherloc (09022015). Collection method: clinical testing. Allele origin: germline.

All of Us Research Program, National Institutes of Health
Classification: Uncertain significance for Marfan syndrome. Last evaluated: 2023-12-18. Review status: criteria provided, single submitter. Criteria: ACMG Guidelines, 2015. Collection method: clinical testing. Allele origin: germline. Inheritance: Autosomal dominant inheritance. Observed: 3 variant alleles, 3 heterozygotes.
Comment: This missense variant replaces isoleucine with valine at codon 1866 of the FBN1 protein. Computational prediction suggests that this variant may not impact protein structure and function (internally defined REVEL score threshold <= 0.5, PMID: 27666373). To our knowledge, functional studies have not been reported for this variant. This variant has not been reported in individuals affected with cardiovascular disorders in the literature. This variant has been identified in 11/282314 chromosomes in the general population by the Genome Aggregation Database (gnomAD). The available evidence is insufficient to determine the role of this variant in disease conclusively. Therefore, this variant is classified as a Variant of Uncertain Significance.

This study involves interpretation of variants in research participants for the purpose of population health screening. Participant phenotype was not available at the time of variant classification. Additional details can be found in publication PMID: 35346344, PMCID: PMC8962531

Color Diagnostics, LLC DBA Color Health
Classification: Uncertain significance for Familial thoracic aortic aneurysm and aortic dissection. Last evaluated: 2023-11-27. Review status: criteria provided, single submitter. Criteria: ACMG Guidelines, 2015. Collection method: clinical testing. Allele origin: germline.
Comment: This missense variant replaces isoleucine with valine at codon 1866 of the FBN1 protein. Computational prediction tool indicates that this variant may have a neutral impact on protein structure and function. To our knowledge, functional studies have not been reported for this variant. This variant has not been reported in individuals affected with FBN1-related disorders in the literature. This variant has been identified in 11/282314 chromosomes in the general population by the Genome Aggregation Database (gnomAD). The available evidence is insufficient to determine the role of this variant in disease conclusively. Therefore, this variant is classified as a Variant of Uncertain Significance.

Department of Laboratory Medicine and Genetics, Samsung Medical Center
Classification: Uncertain significance for Marfan syndrome. Last evaluated: 2025-01-02. Review status: no assertion criteria provided. Collection method: clinical testing. Allele origin: germline. Not counted in ClinVar's aggregate classification.
Comment: The NM_000138.5:c.5596A>G is considered to be not rare in the general population database (gnomAD v2.1.1). In summary, the available evidence is currently insufficient to evaluate the pathogenicity of this variant, resulting its classification as a variant of uncertain significance (BS1).

Literature cited by the submitters: PubMed 31279624 (cited by Department of Laboratory Medicine and Genetics, Samsung Medical Center); PubMed 37558401 (cited by Department of Laboratory Medicine and Genetics, Samsung Medical Center); PubMed 37840311 (cited by Department of Laboratory Medicine and Genetics, Samsung Medical Center).